The following is an entry in ClinVar:

NM_015103.3(PLXND1):c.4682C>T (p.Ser1561Phe)

Gene: PLXND1 (plexin D1; minus strand). Cytogenetic location: 3q22.1.
Variant type: single nucleotide variant.
Coding change: c.4682C>T on transcript NM_015103.3 (MANE Select); coding-DNA position 4682, C replaced by T.
Protein change: p.Ser1561Phe; replaces serine 1561 with phenylalanine.
Molecular consequence: missense variant.
Genome position (GRCh38, 1-based): chr3:129,562,930, G>A on the plus strand (C>T on the coding strand, the complement: PLXND1 is on the minus strand). VCF-style: chr3-129562930-G-A. GRCh37 (hg19) VCF-style: chr3-129281773-G-A.
Other names: short protein forms S1561F.
Identifiers: ClinVar variation 2636221 (VCV002636221.1), dbSNP rs2108766345, ClinGen allele CA354480003.

ClinVar aggregate classification (germline): Uncertain significance (1 of 4 stars; one submission).

Conditions:
PLXND1-related disorder. Also called: PLXND1-related condition.

gnomAD v4.1: 1 of 1,603,862 alleles (0.000062%); no homozygotes.

Submission:

PreventionGenetics, part of Exact Sciences
Classification: Uncertain significance for PLXND1-related condition. Last evaluated: 2023-07-31. Review status: criteria provided, single submitter. Criteria: ACMG Guidelines, 2015. Collection method: clinical testing. Allele origin: germline.
Comment: The PLXND1 c.4682C>T variant is predicted to result in the amino acid substitution p.Ser1561Phe. To our knowledge, this variant has not been reported in the literature or in a large population database, indicating this variant is rare. At this time, the clinical significance of this variant is uncertain due to the absence of conclusive functional and genetic evidence.